The following is an entry in ClinVar:

NM_000059.4(BRCA2):c.6600_6601del (p.Phe2200_Ser2201insTer)

Gene: BRCA2 (BRCA2 DNA repair associated; plus strand). Cytogenetic location: 13q13.1.
Variant type: Deletion.
Coding change: c.6600_6601del on transcript NM_000059.4 (MANE Select); coding-DNA positions 6600 to 6601, 2 bases deleted (TT; older notation c.6600_6601delTT).
Protein change: p.Phe2200_Ser2201insTer.
Molecular consequence: frameshift variant.
Genome position (GRCh38, 1-based): chr13:32,340,955-32,340,956, TT deleted; deleting any 2 consecutive bases within chr13:32,340,952-32,340,956 gives the same sequence; the c. name uses the placement nearest the transcript's 3' end. VCF-style (leftmost placement, unchanged base first): chr13-32340951-CTT-C. GRCh37 (hg19) VCF-style: chr13-32915088-CTT-C.
Other names: 6828delTT; c.6600_6601delTT (NM_000059.3).
Identifiers: ClinVar variation 52131 (VCV000052131.28), dbSNP rs80359607, ClinGen allele CA024197.

ClinVar aggregate classification (germline): Pathogenic. Review status: reviewed by expert panel (3 of 4 stars). 14 submissions from 14 submitters: Pathogenic (1). 13 of the submissions do not count toward it. Last evaluated 2016-09-08.

Conditions:
BRCA2-related disorder. Also called: BRCA2-related condition; BRCA2-related disorders. Identifiers: MedGen CN239275.
Hereditary cancer-predisposing syndrome. Also called: Hereditary Cancer Syndrome; Neoplastic Syndromes, Hereditary; Hereditary neoplastic syndrome; Tumor predisposition. Identifiers: Orphanet 140162, MedGen C0027672, MeSH D009386, MONDO:0015356.
Breast-ovarian cancer, familial, susceptibility to, 2 (BROVCA2). Also called: BRCA2 Hereditary Breast and Ovarian Cancer. Identifiers: Orphanet 145, MedGen C2675520, MONDO:0012933, OMIM 612555. Disease mechanism: loss of function.
Fanconi anemia complementation group D1. Also called: BRCA2-Related Fanconi Anemia. Identifiers: Orphanet 319462, MedGen C1838457, MONDO:0011584, OMIM 605724.
Medulloblastoma (MDB). Also called: MEDULLOBLASTOMA PREDISPOSITION SYNDROME; Medulloblastoma, somatic. Identifiers: Orphanet 616, MedGen C0025149, MeSH D008527, MONDO:0007959, OMIM 155255, HP:0002885.
Pancreatic cancer, susceptibility to, 2. Identifiers: Orphanet 1333, MedGen C3150546, MONDO:0013235, OMIM 613347.
Glioma susceptibility 3 (GLM3). Also called: Glioblastoma 3. Identifiers: Orphanet 182067, Orphanet 360, MedGen C2751641, MONDO:0013093, OMIM 613029.
Wilms tumor 1 (WT1). Also called: Wilms tumor, somatic. Identifiers: Orphanet 654, MedGen CN033288, MONDO:0008679, OMIM 194070.
Familial cancer of breast. Also called: hereditary breast carcinoma; BREAST CANCER, FAMILIAL; Hereditary breast cancer. Identifiers: Orphanet 227535, MedGen C0346153, MONDO:0016419, OMIM 114480. Disease mechanism: loss of function.
Prostate cancer. Also called: Malignant tumor of prostate. Identifiers: Orphanet 1331, MedGen C0376358, MONDO:0008315, HP:0012125.
Hereditary breast ovarian cancer syndrome. Also called: Hereditary breast and ovarian cancer syndrome; Breast and ovarian cancer; Hereditary breast and ovarian cancer syndrome (HBOC); BRCA1- and BRCA2-Associated Hereditary Breast and Ovarian Cancer; Hereditary breast and/or ovarian cancer syndrome; Hereditary breast and ovarian cancer. Identifiers: Orphanet 145, MedGen C0677776, MeSH D061325, MONDO:0003582. Disease mechanism: loss of function.

Submissions 1 to 10 of 14:

Evidence-based Network for the Interpretation of Germline Mutant Alleles (ENIGMA)
Classification: Pathogenic for Breast-ovarian cancer, familial, susceptibility to, 2. Last evaluated: 2016-09-08. Review status: reviewed by expert panel. Criteria: ENIGMA BRCA1/2 Classification Criteria (2015). Collection method: curation. Allele origin: germline.
Comment: Variant allele predicted to encode a truncated non-functional protein.

Labcorp Genetics (formerly Invitae), Labcorp
Classification: Pathogenic for Hereditary breast ovarian cancer syndrome. Last evaluated: 2025-11-22. Review status: criteria provided, single submitter. Criteria: Invitae Variant Classification Sherloc (09022015). Collection method: clinical testing. Allele origin: germline. Not counted in ClinVar's aggregate classification.
Comment: This sequence change creates a premature translational stop signal (p.Ser2201*) in the BRCA2 gene. It is expected to result in an absent or disrupted protein product. Loss-of-function variants in BRCA2 are known to be pathogenic (PMID: 20104584). This variant is present in population databases (rs80359607, gnomAD 0.003%). This premature translational stop signal has been observed in individual(s) with early onset breast cancer (PMID: 19491284). This variant is also known as 6828delTT. ClinVar contains an entry for this variant (Variation ID: 52131). For these reasons, this variant has been classified as Pathogenic.

Quest Diagnostics Nichols Institute San Juan Capistrano
Classification: Pathogenic. Last evaluated: 2025-06-17. Review status: criteria provided, single submitter. Criteria: Quest Diagnostics criteria. Collection method: clinical testing. Allele origin: unknown. Not counted in ClinVar's aggregate classification.
Comment: The BRCA2 c.6600_6601del (p.Ser2201*) variant (also known as c.6828delTT) alters the translational reading frame of the BRCA2 mRNA and causes the premature termination of BRCA2 protein synthesis. This variant has been reported in the published literature in multiple individuals with breast and/or ovarian cancer (PMIDs: 38709234 (2024), 34645131 (2022), 26300996 (2020), 30425037 (2019), 28111427 (2017), 29884136 (2018), 24010542 (2014), 22798144 (2012), and 19491284 (2009)). The frequency of this variant in the general population (Genome Aggregation Database) is consistent with pathogenicity. Based on the available information, this variant is classified as pathogenic.

Ambry Genetics
Classification: Pathogenic for Hereditary cancer-predisposing syndrome. Last evaluated: 2024-03-13. Review status: criteria provided, single submitter. Criteria: Ambry Variant Classification Scheme 2023. Collection method: clinical testing. Allele origin: germline. Not counted in ClinVar's aggregate classification.
Comment: The c.6600_6601delTT pathogenic mutation, located in coding exon 10 of the BRCA2 gene, results from a deletion of two nucleotides at nucleotide positions 6600 to 6601, causing a translational frameshift with a predicted alternate stop codon (p.S2201*). This mutation has been reported in multiple hereditary breast and ovarian cancer (HBOC) patients (Haffty BG et al, 2009 Oct;20:1653-9; Kim H et al. Breast Cancer Res Treat, 2012 Aug;134:1315-26; Konstantopoulou I et al. Clin Genet, 2014 Jan;85:36-42; Park JS et al. Cancer Res Treat, 2017 Oct;49:1012-1021; Rebbeck TR et al. Hum Mutat, 2018 05;39:593-620). Of note, this alteration is also designated as 6828delTT in the published literature. In addition to the clinical data presented in the literature, this alteration is expected to result in loss of function by premature protein truncation or nonsense-mediated mRNA decay. As such, this alteration is interpreted as a disease-causing mutation.

GeneDx
Classification: Pathogenic. Last evaluated: 2023-10-23. Review status: criteria provided, single submitter. Criteria: GeneDx Variant Classification Process June 2021. Collection method: clinical testing. Allele origin: germline. Affected: yes. Not counted in ClinVar's aggregate classification.
Comment: Nonsense variant predicted to result in protein truncation or nonsense mediated decay in a gene for which loss of function is a known mechanism of disease; Observed in individuals with BRCA2-related cancers (PMID: 22798144, 19491284, 24010542, 29884136); Not observed at significant frequency in large population cohorts (gnomAD); Truncating variants in this gene are considered pathogenic by a well-established clinical consortium and/or database; Also known as 6828_6829delTT; This variant is associated with the following publications: (PMID: 22798144, 24010542, 19491284, 26300996, 31447099, 30787465, 28179634, 30425037, 29446198, 34308104, 34645131, 30720243, 28111427, 32467295, 29922827, 29884136, 32719484)

Fulgent Genetics
Classification: Pathogenic for Familial cancer of breast; Medulloblastoma; Familial prostate cancer; Wilms tumor 1; Fanconi anemia complementation group D1; Breast-ovarian cancer, familial, susceptibility to, 2; Glioma susceptibility 3; Pancreatic cancer, susceptibility to, 2. Last evaluated: 2022-04-19. Review status: criteria provided, single submitter. Criteria: ACMG Guidelines, 2015. Collection method: clinical testing. Allele origin: unknown. Not counted in ClinVar's aggregate classification.

Baylor Genetics
Classification: Pathogenic for Familial cancer of breast. Last evaluated: 2022-04-04. Review status: criteria provided, single submitter. Criteria: ACMG Guidelines, 2015. Collection method: clinical testing. Allele origin: unknown. Not counted in ClinVar's aggregate classification.

Color Diagnostics, LLC DBA Color Health
Classification: Pathogenic for Hereditary cancer-predisposing syndrome. Last evaluated: 2022-02-22. Review status: criteria provided, single submitter. Criteria: ACMG Guidelines, 2015. Collection method: clinical testing. Allele origin: germline. Not counted in ClinVar's aggregate classification.
Comment: This variant deletes 2 nucleotides in exon 11 of the BRCA2 gene, creating a frameshift and premature translation stop signal. This variant is expected to result in an absent or non-functional protein product. This variant is also known as 6828delTT based on Breast Cancer Information Core (BIC) nomenclature. This variant has been reported in individuals affected with breast and/or ovarian cancer (PMID: 19491284, 22798144, 24010542, 29884136; Color internal data). This variant has been identified in 1/245136 chromosomes in the general population by the Genome Aggregation Database (gnomAD). Loss of BRCA2 function is a known mechanism of disease. Based on the available evidence, this variant is classified as Pathogenic.

Women's Health and Genetics/Laboratory Corporation of America, LabCorp
Classification: Pathogenic for Hereditary breast and ovarian cancer syndrome. Last evaluated: 2019-10-11. Review status: criteria provided, single submitter. Criteria: LabCorp Variant Classification Summary - May 2015. Collection method: clinical testing. Allele origin: germline. Not counted in ClinVar's aggregate classification.
Comment: Variant summary: BRCA2 c.6600_6601delTT (p.Ser2201X) results in a premature termination codon, predicted to cause a truncation of the encoded protein or absence of the protein due to nonsense mediated decay, which are commonly known mechanisms for disease. Truncations downstream of this position have been classified as pathogenic by our laboratory. The variant allele was found at a frequency of 4.1e-06 in 245882 control chromosomes. c.6600_6601delTT has been reported in the literature in multiple individuals affected with Hereditary Breast and Ovarian Cancer (Haffty_2009, Kim_2012, Konstantopoulou_2014, Ahmadloo_2017, Pajares_2018, Lin_2019). These data indicate that the variant is very likely to be associated with disease. To our knowledge, no experimental evidence demonstrating an impact on protein function has been reported. Seven clinical diagnostic laboratories have submitted clinical-significance assessments for this variant to ClinVar after 2014 without evidence for independent evaluation. All laboratories classified the variant as pathogenic. Based on the evidence outlined above, the variant was classified as pathogenic.

Genologica Medica
Classification: Pathogenic for Breast-ovarian cancer, familial, susceptibility to, 2. Last evaluated: 2017-01-01. Review status: criteria provided, single submitter. Criteria: ACMG Guidelines, 2015. Collection method: clinical testing. Allele origin: germline. Affected: yes. Not counted in ClinVar's aggregate classification.